The following is an entry in ClinVar:

NM_005751.5(AKAP9):c.10841T>C (p.Met3614Thr)

Gene: AKAP9 (A-kinase anchoring protein 9; plus strand). Cytogenetic location: 7q21.2.
Variant type: single nucleotide variant.
Coding change: c.10841T>C on transcript NM_005751.5 (MANE Select); coding-DNA position 10841, T replaced by C.
Protein change: p.Met3614Thr; replaces methionine 3614 with threonine.
Molecular consequence: missense variant.
Genome position (GRCh38, 1-based): chr7:92,099,814, T>C. VCF-style: chr7-92099814-T-C. GRCh37 (hg19) VCF-style: chr7-91729128-T-C.
Other names: c.5486T>C, p.Met1829Thr (NM_001379277.1); c.10817T>C, p.Met3606Thr (NM_147185.3); short protein forms M3614T, M3606T, M1829T.
Identifiers: ClinVar variation 2132497 (VCV002132497.4), dbSNP rs1817223104, ClinGen allele CA368158867.

ClinVar aggregate classification (germline): Uncertain significance (1 of 4 stars; one submission).

Conditions:
Long QT syndrome (LQTS). Identifiers: MedGen C0023976, MeSH D008133, MONDO:0002442. Disease mechanism: loss of function. Inheritance: Various modes of inheritance.

Submission:

Labcorp Genetics (formerly Invitae), Labcorp
Classification: Uncertain significance for Long QT syndrome. Last evaluated: 2022-05-01. Review status: criteria provided, single submitter. Criteria: Invitae Variant Classification Sherloc (09022015). Collection method: clinical testing. Allele origin: germline.
Comment: In summary, the available evidence is currently insufficient to determine the role of this variant in disease. Therefore, it has been classified as a Variant of Uncertain Significance. Algorithms developed to predict the effect of missense changes on protein structure and function output the following: SIFT: "Deleterious"; PolyPhen-2: "Benign"; Align-GVGD: "Class C25". The threonine amino acid residue is found in multiple mammalian species, which suggests that this missense change does not adversely affect protein function. This variant has not been reported in the literature in individuals affected with AKAP9-related conditions. This variant is not present in population databases (gnomAD no frequency). This sequence change replaces methionine, which is neutral and non-polar, with threonine, which is neutral and polar, at codon 3614 of the AKAP9 protein (p.Met3614Thr).